The following is an entry in ClinVar:

ClinVar aggregate classification (germline): Conflicting classifications of pathogenicity. Review status: criteria provided, conflicting classifications (1 of 4 stars). 3 submissions from 3 submitters: Uncertain significance (2); Benign (1). Last evaluated 2025-12-11.

Conditions:
Multiple endocrine neoplasia type 4. Also called: MULTIPLE ENDOCRINE NEOPLASIA, TYPE IV. Identifiers: Orphanet 276152, MedGen C1970712, MONDO:0012552, OMIM 610755.
Hereditary cancer-predisposing syndrome. Also called: Hereditary neoplastic syndrome; Hereditary Cancer Syndrome; Neoplastic Syndromes, Hereditary; Tumor predisposition. Identifiers: Orphanet 140162, MedGen C0027672, MeSH D009386, MONDO:0015356.

Allele frequency attached by ClinVar (database versions not stated): gnomAD exomes 0.00001; ExAC 0.00002; gnomAD 0.00003; TOPMed 0.00003.

Submissions (3):

Labcorp Genetics (formerly Invitae), Labcorp
Classification: Uncertain significance for Multiple endocrine neoplasia type 4. Last evaluated: 2025-12-11. Review status: criteria provided, single submitter. Criteria: Invitae Variant Classification Sherloc (09022015). Collection method: clinical testing. Allele origin: germline.
Comment: This sequence change replaces proline, which is neutral and non-polar, with leucine, which is neutral and non-polar, at codon 117 of the CDKN1B protein (p.Pro117Leu). This variant is present in population databases (rs779099486, gnomAD 0.01%). This variant has not been reported in the literature in individuals affected with CDKN1B-related conditions. ClinVar contains an entry for this variant (Variation ID: 1375252). An algorithm developed to predict the effect of missense changes on protein structure and function (PolyPhen-2) suggests that this variant is likely to be tolerated. In summary, the available evidence is currently insufficient to determine the role of this variant in disease. Therefore, it has been classified as a Variant of Uncertain Significance.

Ambry Genetics
Classification: Benign for Hereditary cancer-predisposing syndrome. Last evaluated: 2024-08-13. Review status: criteria provided, single submitter. Criteria: Ambry Variant Classification Scheme 2023. Collection method: clinical testing. Allele origin: germline.

GeneDx
Classification: Uncertain significance. Last evaluated: 2024-03-01. Review status: criteria provided, single submitter. Criteria: GeneDx Variant Classification Process June 2021. Collection method: clinical testing. Allele origin: germline. Affected: yes.
Comment: Not observed at significant frequency in large population cohorts (gnomAD); In silico analysis supports that this missense variant does not alter protein structure/function; Has not been previously published as pathogenic or benign to our knowledge

NM_004064.5(CDKN1B):c.350C>T (p.Pro117Leu)

Gene: CDKN1B (cyclin dependent kinase inhibitor 1B; plus strand). Cytogenetic location: 12p13.1.
Variant type: single nucleotide variant.
Coding change: c.350C>T on transcript NM_004064.5 (MANE Select); coding-DNA position 350, C replaced by T.
Protein change: p.Pro117Leu; replaces proline 117 with leucine.
Molecular consequence: missense variant.
Genome position (GRCh38, 1-based): chr12:12,718,189, C>T. VCF-style: chr12-12718189-C-T. GRCh37 (hg19) VCF-style: chr12-12871123-C-T.
Other names: c.350C>T (NM_004064.4); short protein forms P117L.
Identifiers: ClinVar variation 1375252 (VCV001375252.12), dbSNP rs779099486, ClinGen allele CA6457472.